The following is an entry in ClinVar:

NM_019066.5(MAGEL2):c.2745dup (p.Asn916fs)

Gene: MAGEL2 (MAGE family member L2; minus strand). Cytogenetic location: 15q11.2.
Variant type: Duplication.
Coding change: c.2745dup on transcript NM_019066.5 (MANE Select); coding-DNA position 2745, one base duplicated (G; older notation c.2745dupG).
Protein change: p.Asn916fs; shifts the reading frame from asparagine 916.
Molecular consequence: frameshift variant.
Genome position (GRCh38, 1-based): chr15:23,644,998, C duplicated on the plus strand (G on the coding strand, the reverse complement: MAGEL2 is on the minus strand). VCF-style (leftmost placement, unchanged base first): chr15-23644997-T-TC. GRCh37 (hg19) VCF-style: chr15-23890144-T-TC.
Other names: short protein forms N916fs.
Identifiers: ClinVar variation 3376542 (VCV003376542.2).

ClinVar aggregate classification (germline): Likely pathogenic (1 of 4 stars; one submission).

Conditions:
Schaaf-Yang syndrome (SHFYNG). Also called: Arthrogryposis, distal, with hypopituitarism, intellectual disability, and facial anomalies; MAGEL2-related Prader-Willi-like syndrome. Identifiers: Orphanet 398069, MedGen C5575066, MONDO:0014243, OMIM 615547.

Submission:

Kasturba Medical College, Manipal, Kasturba Medical College, Manipal, Manipal Academy of Higher Education, Manipal, India
Classification: Likely pathogenic for Schaaf-Yang syndrome. Review status: criteria provided, single submitter. Criteria: ACMG Guidelines, 2015. Collection method: clinical testing. Allele origin: paternal. Inheritance: Autosomal dominant inheritance. Affected: yes. Observed: 1 heterozygote.
Comment: The variant p.(Asn916Glufs*6) is likely to cause a shift in the reading frame and result in premature truncation of the transcript which may further lead to the formation of a truncated protein product. As a result, the truncated protein will lack about half of its USP7 binding and MHD domains which is vital for the MAGEL2 protein functioning. Additionally, this variant is absent in large population databases.